The following is an entry in ClinVar:

NM_001844.5(COL2A1):c.157del (p.Arg53fs)

Gene: COL2A1 (collagen type II alpha 1 chain; minus strand). Cytogenetic location: 12q13.11.
Variant type: Deletion.
Coding change: c.157del on transcript NM_001844.5 (MANE Select); coding-DNA position 157, one base deleted (C; older notation c.157delC).
Protein change: p.Arg53fs; shifts the reading frame from arginine 53.
Molecular consequence: frameshift variant. On other transcripts: intron variant (1).
Genome position (GRCh38, 1-based): chr12:48,000,054, G deleted on the plus strand (C on the coding strand, the reverse complement: COL2A1 is on the minus strand); the first of 2 consecutive G bases (chr12:48,000,054-48,000,055); deleting either gives the same sequence. VCF-style (leftmost placement, unchanged base first): chr12-48000053-CG-C. GRCh37 (hg19) VCF-style: chr12-48393836-CG-C.
Other names: c.86-1623del (NM_033150.3); short protein forms R53fs.
Identifiers: ClinVar variation 2033882 (VCV002033882.4), dbSNP rs1940158080, ClinGen allele CA2034489285.

ClinVar aggregate classification (germline): Pathogenic (1 of 4 stars; one submission).

Submission:

Labcorp Genetics (formerly Invitae), Labcorp
Classification: Pathogenic. Last evaluated: 2023-03-12. Review status: criteria provided, single submitter. Criteria: Invitae Variant Classification Sherloc (09022015). Collection method: clinical testing. Allele origin: germline.
Comment: ClinVar contains an entry for this variant (Variation ID: 2033882). This variant has not been reported in the literature in individuals affected with COL2A1-related conditions. This variant is not present in population databases (gnomAD no frequency). This sequence change creates a premature translational stop signal (p.Arg53Glyfs*15) in the COL2A1 gene. It is expected to result in an absent or disrupted protein product. Loss-of-function variants in COL2A1 are known to be pathogenic (PMID: 20179744). For these reasons, this variant has been classified as Pathogenic. Algorithms developed to predict the effect of sequence changes on RNA splicing suggest that this variant may disrupt the consensus splice site.

Literature cited by the submitters: PubMed 20179744.